The following is an entry in ClinVar:

NM_006767.4(LZTR1):c.1469C>A (p.Ala490Asp)

Gene: LZTR1 (leucine zipper like post translational regulator 1; plus strand). Cytogenetic location: 22q11.21.
Variant type: single nucleotide variant.
Coding change: c.1469C>A on transcript NM_006767.4 (MANE Select); coding-DNA position 1469, C replaced by A.
Protein change: p.Ala490Asp; replaces alanine 490 with aspartic acid.
Molecular consequence: missense variant.
Genome position (GRCh38, 1-based): chr22:20,994,123, C>A. VCF-style: chr22-20994123-C-A. GRCh37 (hg19) VCF-style: chr22-21348412-C-A.
Other names: short protein forms A490D.
Identifiers: ClinVar variation 1421812 (VCV001421812.11), dbSNP rs751255482, ClinGen allele CA10118909.

ClinVar aggregate classification (germline): Uncertain significance. Review status: criteria provided, multiple submitters, no conflicts (2 of 4 stars). 2 submissions from 2 submitters: Uncertain significance (2). Last evaluated 2025-12-03.

Conditions:
Hereditary cancer-predisposing syndrome. Also called: Neoplastic Syndromes, Hereditary; Hereditary Cancer Syndrome; Hereditary neoplastic syndrome; Tumor predisposition. Identifiers: Orphanet 140162, MedGen C0027672, MeSH D009386, MONDO:0015356.
Cardiovascular phenotype. Identifiers: MedGen CN230736.

Allele frequency attached by ClinVar (database versions not stated): gnomAD exomes below 0.00001 and 0.00001; TOPMed below 0.00001; gnomAD 0.00001; ExAC 0.00004.
gnomAD v4.1: 8 of 1,584,584 alleles (0.0005%); highest among the groups gnomAD compares: African/African-American, 0.0013%; no homozygotes.

Submissions (2):

Labcorp Genetics (formerly Invitae), Labcorp
Classification: Uncertain significance. Last evaluated: 2025-12-03. Review status: criteria provided, single submitter. Criteria: Invitae Variant Classification Sherloc (09022015). Collection method: clinical testing. Allele origin: germline.
Comment: This sequence change replaces alanine, which is neutral and non-polar, with aspartic acid, which is acidic and polar, at codon 490 of the LZTR1 protein (p.Ala490Asp). This variant is present in population databases (rs751255482, gnomAD 0.001%). This variant has not been reported in the literature in individuals affected with LZTR1-related conditions. ClinVar contains an entry for this variant (Variation ID: 1421812). Invitae Evidence Modeling of protein sequence and biophysical properties (such as structural, functional, and spatial information, amino acid conservation, physicochemical variation, residue mobility, and thermodynamic stability) indicates that this missense variant is not expected to disrupt LZTR1 protein function with a negative predictive value of 80%. In summary, the available evidence is currently insufficient to determine the role of this variant in disease. Therefore, it has been classified as a Variant of Uncertain Significance.

Ambry Genetics
Classification: Uncertain significance for Cardiovascular phenotype; Hereditary cancer-predisposing syndrome. Last evaluated: 2024-08-19. Review status: criteria provided, single submitter. Criteria: Ambry Variant Classification Scheme 2023. Collection method: clinical testing. Allele origin: germline.